The following is an entry in ClinVar:

ClinVar aggregate classification (germline): Benign (1 of 4 stars; one submission).

Allele frequency attached by ClinVar (database versions not stated): 1000 Genomes Project 0.00539; ExAC 0.00541; 1000 Genomes Project 30x 0.00609; gnomAD exomes 0.00855; TOPMed 0.01011.
gnomAD v4.1: 18,913 of 1,283,052 alleles (1.5%); highest among the groups gnomAD compares: Non-Finnish European, 1.7%; 159 homozygotes.

Submission:

CeGaT Center for Human Genetics Tuebingen
Classification: Benign. Last evaluated: 2022-07-01. Review status: criteria provided, single submitter. Criteria: CeGaT Center For Human Genetics Tuebingen Variant Classification Criteria Version 2. Collection method: clinical testing. Allele origin: germline. Affected: yes. Observed: 3 variant alleles.
Comment: SOS2: BS1, BS2

NM_006939.4(SOS2):c.88-11010G>C

Gene: SOS2 (SOS Ras/Rho guanine nucleotide exchange factor 2; minus strand). Cytogenetic location: 14q21.3.
Variant type: single nucleotide variant.
Coding change: c.88-11010G>C on transcript NM_006939.4 (MANE Select); 11010 bases into the intron before coding-DNA position 88, G replaced by C.
Molecular consequence: intron variant.
Genome position (GRCh38, 1-based): chr14:50,215,419, C>G on the plus strand (G>C on the coding strand, the complement: SOS2 is on the minus strand). VCF-style: chr14-50215419-C-G. GRCh37 (hg19) VCF-style: chr14-50682137-C-G.
Identifiers: ClinVar variation 1701232 (VCV001701232.31), dbSNP rs117294554, ClinGen allele CA7177628.
Genomic context (GRCh38, chr14:50,215,419, plus strand): 5'-ATGTTAAAATCTCACCCATAAATGCTGTAACAGGACATCAAGAGGACAATGGAAGAGAAC[C>G]ATGCTTTACACTTCTACAGAGACAGTAAACATAAAATTACCACGACAGAACCAATTTGCC-3'